The following is an entry in ClinVar:

ClinVar aggregate classification (germline): Likely benign. Review status: criteria provided, multiple submitters, no conflicts (2 of 4 stars). 3 submissions from 3 submitters: Likely benign (2). 1 of the submissions does not count toward it. Last evaluated 2025-01-12.

Conditions:
FAN1-related disorder. Also called: FAN1-related condition.

Allele frequency attached by ClinVar (database versions not stated): gnomAD exomes below 0.00001; TOPMed 0.00001; ExAC 0.00002; gnomAD 0.00006.
gnomAD v4.1: 15 of 1,614,024 alleles (0.00093%); highest among the groups gnomAD compares: Admixed American, 0.015%; 1 homozygote.

Submissions (3):

Labcorp Genetics (formerly Invitae), Labcorp
Classification: Likely benign. Last evaluated: 2025-01-12. Review status: criteria provided, single submitter. Criteria: Invitae Variant Classification Sherloc (09022015). Collection method: clinical testing. Allele origin: germline.

Blueprint Genetics
Classification: Likely benign. Last evaluated: 2024-09-11. Review status: criteria provided, single submitter. Criteria: ACMG Guidelines, 2015. Collection method: clinical testing. Allele origin: germline.

PreventionGenetics, part of Exact Sciences
Classification: Likely benign for FAN1-related condition. Last evaluated: 2023-04-05. Review status: no assertion criteria provided. Collection method: clinical testing. Allele origin: germline. Not counted in ClinVar's aggregate classification.
Comment: This variant is classified as likely benign based on ACMG/AMP sequence variant interpretation guidelines (Richards et al. 2015 PMID: 25741868, with internal and published modifications).

NM_014967.5(FAN1):c.1626G>A (p.Arg542=)

Gene: FAN1 (FANCD2 and FANCI associated nuclease 1; plus strand). Cytogenetic location: 15q13.3.
Variant type: single nucleotide variant.
Coding change: c.1626G>A on transcript NM_014967.5 (MANE Select); coding-DNA position 1626, G replaced by A.
Protein change: p.Arg542=; no amino-acid change (arginine 542 retained).
Molecular consequence: synonymous variant.
Genome position (GRCh38, 1-based): chr15:30,913,906, G>A. VCF-style: chr15-30913906-G-A. GRCh37 (hg19) VCF-style: chr15-31206109-G-A.
Identifiers: ClinVar variation 744495 (VCV000744495.10), dbSNP rs764995404, ClinGen allele CA7450362.
Genomic context (GRCh38, chr15:30,913,906, plus strand): 5'-TACATTTTTCAGAGCCAAAGCCTTGGCTGGACAGTCAGTACGAATCTGTAAAGGCCCCAG[G>A]GCTGTGTTTTCCCGCATCTTGCTACTGTTTTCGTTGACCGACTCAATGGAAGATGAAGAC-3'
Protein context (NP_055782.3, residues 532-552): GQSVRICKGP[Arg542=]AVFSRILLLF